The following is an entry in ClinVar:

NM_001048174.2(MUTYH):c.1111G>A (p.Ala371Thr)

Gene: MUTYH (mutY DNA glycosylase; minus strand). Cytogenetic location: 1p34.1.
Variant type: single nucleotide variant.
Coding change: c.1111G>A on transcript NM_001048174.2 (MANE Select); coding-DNA position 1111, G replaced by A.
Protein change: p.Ala371Thr; replaces alanine 371 with threonine.
Molecular consequence: missense variant. On other transcripts: non-coding transcript variant (2).
Genome position (GRCh38, 1-based): chr1:45,331,548, C>T on the plus strand (G>A on the coding strand, the complement: MUTYH is on the minus strand). VCF-style: chr1-45331548-C-T. GRCh37 (hg19) VCF-style: chr1-45797220-C-T.
Other names: c.1111G>A, p.Ala371Thr (NM_001048171.2, NM_001048173.2, NM_001293195.2); c.1114G>A, p.Ala372Thr (NM_001048172.2); c.1195G>A, p.Ala399Thr (NM_001128425.2); c.1156G>A, p.Ala386Thr (NM_001293190.2); c.1144G>A, p.Ala382Thr (NM_001293191.2); c.835G>A, p.Ala279Thr (NM_001293192.2, NM_001293196.2); c.766G>A, p.Ala256Thr (NM_001350650.2, NM_001350651.2); c.1186G>A, p.Ala396Thr (NM_012222.3); short protein forms A399T, A279T, A396T, A256T, A371T, A372T, A382T, A386T.
Identifiers: ClinVar variation 483929 (VCV000483929.16), dbSNP rs876658372, ClinGen allele CA21836079.

ClinVar aggregate classification (germline): Uncertain significance. Review status: criteria provided, multiple submitters, no conflicts (2 of 4 stars). 2 submissions from 2 submitters: Uncertain significance (2). Last evaluated 2025-02-10.

Conditions:
Hereditary cancer-predisposing syndrome. Also called: Hereditary neoplastic syndrome; Hereditary Cancer Syndrome; Neoplastic Syndromes, Hereditary; Tumor predisposition. Identifiers: Orphanet 140162, MedGen C0027672, MeSH D009386, MONDO:0015356.
Familial adenomatous polyposis 2. Also called: MYH-associated polyposis; COLORECTAL ADENOMATOUS POLYPOSIS, AUTOSOMAL RECESSIVE; ADENOMAS, MULTIPLE COLORECTAL, AUTOSOMAL RECESSIVE; MUTYH-related attenuated familial adenomatous polyposis; Adenomas, multiple colorectal; FAP type 2. Identifiers: Orphanet 220460, Orphanet 247798, MedGen C3272841, MONDO:0012041, OMIM 608456.

Submissions (2):

Labcorp Genetics (formerly Invitae), Labcorp
Classification: Uncertain significance for Familial adenomatous polyposis 2. Last evaluated: 2025-02-10. Review status: criteria provided, single submitter. Criteria: Invitae Variant Classification Sherloc (09022015). Collection method: clinical testing. Allele origin: germline.
Comment: This sequence change replaces alanine, which is neutral and non-polar, with threonine, which is neutral and polar, at codon 399 of the MUTYH protein (p.Ala399Thr). This variant is not present in population databases (gnomAD no frequency). This variant has not been reported in the literature in individuals affected with MUTYH-related conditions. ClinVar contains an entry for this variant (Variation ID: 483929). An algorithm developed to predict the effect of missense changes on protein structure and function (PolyPhen-2) suggests that this variant is likely to be disruptive. In summary, the available evidence is currently insufficient to determine the role of this variant in disease. Therefore, it has been classified as a Variant of Uncertain Significance.

Ambry Genetics
Classification: Uncertain significance for Hereditary cancer-predisposing syndrome. Last evaluated: 2017-05-09. Review status: criteria provided, single submitter. Criteria: Ambry Variant Classification Scheme 2023. Collection method: clinical testing. Allele origin: germline.
Comment: The p.A399T variant (also known as c.1195G>A), located in coding exon 13 of the MUTYH gene, results from a G to A substitution at nucleotide position 1195. The alanine at codon 399 is replaced by threonine, an amino acid with similar properties. This amino acid position is highly conserved in available vertebrate species. In addition, this alteration is predicted to be deleterious by in silico analysis. Since supporting evidence is limited at this time, the clinical significance of this alteration remains unclear.